The following is an entry in ClinVar:

NM_001378969.1(KCND3):c.633G>T (p.Pro211=)

Gene: KCND3 (potassium voltage-gated channel subfamily D member 3; minus strand). Cytogenetic location: 1p13.2.
Variant type: single nucleotide variant.
Coding change: c.633G>T on transcript NM_001378969.1 (MANE Select); coding-DNA position 633, G replaced by T.
Protein change: p.Pro211=; no amino-acid change (proline 211 retained).
Molecular consequence: synonymous variant.
Genome position (GRCh38, 1-based): chr1:111,982,094, C>A on the plus strand (G>T on the coding strand, the complement: KCND3 is on the minus strand). VCF-style: chr1-111982094-C-A. GRCh37 (hg19) VCF-style: chr1-112524716-C-A.
Other names: c.633G>T, p.Pro211= (NM_001378970.1, NM_004980.5, NM_172198.3).
Identifiers: ClinVar variation 240083 (VCV000240083.18), dbSNP rs35131566, ClinGen allele CA1007575.
Genomic context (GRCh38, chr1:111,982,094, plus strand): 5'-CGTGTCCAGGCAGAAGAAGGCCACCGAGTAGCGCTCCCCGCACGGCAGCTCCTTGCTGCC[C>A]GGGACCGTGCCGCACGGCACCGTCTCCACCACGTTGGTGATGACCGAGACAGCGATGAAG-3'
Protein context (NP_001365898.1, residues 201-221): VVETVPCGTV[Pro211=]GSKELPCGER

ClinVar aggregate classification (germline): Benign/Likely benign. Review status: criteria provided, multiple submitters, no conflicts (2 of 4 stars). 5 submissions from 5 submitters: Benign (2); Likely benign (3). Last evaluated 2026-03-26.

Conditions:
Cardiovascular phenotype. Identifiers: MedGen CN230736.
Spinocerebellar ataxia type 19/22 (SCA19). Also called: SPINOCEREBELLAR ATAXIA 19; SPINOCEREBELLAR ATAXIA 22. Identifiers: Orphanet 98772, MedGen C1846367, MONDO:0011819, OMIM 607346.
KCND3-related disorder. Also called: KCND3-related condition.

Allele frequency attached by ClinVar (database versions not stated): 1000 Genomes Project 0.00060; TOPMed 0.00067; 1000 Genomes Project 30x 0.00078; ESP Exome Variant Server 0.00100.
gnomAD v4.1: 184 of 1,613,608 alleles (0.011%); highest among the groups gnomAD compares: African/African-American, 0.2%; 1 homozygote.

Submissions (5):

PreventionGenetics, part of Exact Sciences
Classification: Likely benign for KCND3-related condition. Last evaluated: 2026-03-26. Review status: criteria provided, single submitter. Criteria: ACMG Guidelines, 2015. Collection method: clinical testing. Allele origin: germline.
Comment: This variant is classified as likely benign based on ACMG/AMP sequence variant interpretation guidelines (Richards et al. 2015 PMID: 25741868, with internal and published modifications).

Labcorp Genetics (formerly Invitae), Labcorp
Classification: Benign for Spinocerebellar ataxia type 19/22. Last evaluated: 2025-12-23. Review status: criteria provided, single submitter. Criteria: Invitae Variant Classification Sherloc (09022015). Collection method: clinical testing. Allele origin: germline.

Athena Diagnostics
Classification: Benign. Last evaluated: 2025-10-20. Review status: criteria provided, single submitter. Criteria: Athena Diagnostics Criteria. Collection method: clinical testing. Allele origin: unknown.
Comment: The frequency of this variant in the general population is higher than would generally be expected for pathogenic variants in this gene.

GeneDx
Classification: Likely benign. Last evaluated: 2020-12-07. Review status: criteria provided, single submitter. Criteria: GeneDx Variant Classification Process June 2021. Collection method: clinical testing. Allele origin: germline. Affected: yes.

Ambry Genetics
Classification: Likely benign for Cardiovascular phenotype. Last evaluated: 2018-04-02. Review status: criteria provided, single submitter. Criteria: Ambry Variant Classification Scheme 2023. Collection method: clinical testing. Allele origin: germline.